The following is an entry in ClinVar:

ClinVar aggregate classification (germline): Uncertain significance. Review status: criteria provided, multiple submitters, no conflicts (2 of 4 stars). 2 submissions from 2 submitters: Uncertain significance (2). Last evaluated 2025-12-31.

Conditions:
Cardiovascular phenotype. Identifiers: MedGen CN230736.
Charcot-Marie-Tooth disease type 2. Also called: Charcot-Marie-Tooth type 2. Identifiers: Orphanet 64746, MedGen C0270914, MONDO:0018993.

Submissions (2):

Ambry Genetics
Classification: Uncertain significance for Cardiovascular phenotype. Last evaluated: 2025-12-31. Review status: criteria provided, single submitter. Criteria: Ambry Variant Classification Scheme 2023. Collection method: clinical testing. Allele origin: germline.
Comment: The p.S307N variant (also known as c.920G>A), located in coding exon 5 of the LMNA gene, results from a G to A substitution at nucleotide position 920. The serine at codon 307 is replaced by asparagine, an amino acid with highly similar properties. This amino acid position is highly conserved in available vertebrate species. In addition, the in silico prediction for this alteration is inconclusive. Based on the available evidence, the clinical significance of this variant remains unclear.

Labcorp Genetics (formerly Invitae), Labcorp
Classification: Uncertain significance for Charcot-Marie-Tooth disease type 2. Last evaluated: 2025-08-29. Review status: criteria provided, single submitter. Criteria: Invitae Variant Classification Sherloc (09022015). Collection method: clinical testing. Allele origin: germline.
Comment: This sequence change replaces serine, which is neutral and polar, with asparagine, which is neutral and polar, at codon 307 of the LMNA protein (p.Ser307Asn). This variant is not present in population databases (gnomAD no frequency). This variant has not been reported in the literature in individuals affected with LMNA-related conditions. ClinVar contains an entry for this variant (Variation ID: 1366890). Invitae Evidence Modeling of protein sequence and biophysical properties (such as structural, functional, and spatial information, amino acid conservation, physicochemical variation, residue mobility, and thermodynamic stability) indicates that this missense variant is expected to disrupt LMNA protein function with a positive predictive value of 95%. In summary, the available evidence is currently insufficient to determine the role of this variant in disease. Therefore, it has been classified as a Variant of Uncertain Significance.

NM_170707.4(LMNA):c.920G>A (p.Ser307Asn)

Gene: LMNA (lamin A/C; plus strand). Cytogenetic location: 1q22.
Variant type: single nucleotide variant.
Coding change: c.920G>A on transcript NM_170707.4 (MANE Select); coding-DNA position 920, G replaced by A.
Protein change: p.Ser307Asn; replaces serine 307 with asparagine.
Molecular consequence: missense variant.
Genome position (GRCh38, 1-based): chr1:156,135,296, G>A. VCF-style: chr1-156135296-G-A. GRCh37 (hg19) VCF-style: chr1-156105087-G-A.
Other names: c.584G>A, p.Ser195Asn (NM_001257374.3); c.677G>A, p.Ser226Asn (NM_001282624.2); c.920G>A, p.Ser307Asn (NM_001282625.2, NM_001282626.2, NM_005572.4 and 1 more transcripts); c.920G>A (NM_170707.2); short protein forms S195N, S307N, S226N.
Identifiers: ClinVar variation 1366890 (VCV001366890.9), dbSNP rs759249597, ClinGen allele CA342817957.